The following is an entry in ClinVar:

ClinVar aggregate classification (germline): Uncertain significance (1 of 4 stars; one submission).

Submission:

Labcorp Genetics (formerly Invitae), Labcorp
Classification: Uncertain significance. Last evaluated: 2023-01-15. Review status: criteria provided, single submitter. Criteria: Invitae Variant Classification Sherloc (09022015). Collection method: clinical testing. Allele origin: germline.
Comment: In summary, the available evidence is currently insufficient to determine the role of this variant in disease. Therefore, it has been classified as a Variant of Uncertain Significance. This variant has not been reported in the literature in individuals affected with CACNA1E-related conditions. This variant is not present in population databases (gnomAD no frequency). This sequence change creates a premature translational stop signal (p.Gln1602*) in the CACNA1E gene. It is expected to result in an absent or disrupted protein product. However, the current clinical and genetic evidence is not sufficient to establish whether loss-of-function variants in CACNA1E cause disease.

NM_001205293.3(CACNA1E):c.4804C>T (p.Gln1602Ter)

Gene: CACNA1E (calcium voltage-gated channel subunit alpha1 E; plus strand). Cytogenetic location: 1q25.3.
Variant type: single nucleotide variant.
Coding change: c.4804C>T on transcript NM_001205293.3 (MANE Select); coding-DNA position 4804, C replaced by T.
Protein change: p.Gln1602Ter; replaces glutamine 1602 with a stop codon.
Molecular consequence: nonsense.
Genome position (GRCh38, 1-based): chr1:181,763,520, C>T. VCF-style: chr1-181763520-C-T. GRCh37 (hg19) VCF-style: chr1-181732656-C-T.
Other names: c.4804C>T, p.Gln1602Ter (NM_000721.4); c.4747C>T, p.Gln1583Ter (NM_001205294.2); short protein forms Q1583*, Q1602*.
Identifiers: ClinVar variation 2828935 (VCV002828935.3), dbSNP rs2529042949, ClinGen allele CA343626484.